The following is an entry in ClinVar:

NM_020964.3(EPG5):c.2420A>C (p.Tyr807Ser)

Gene: EPG5 (ectopic P-granules 5 autophagy tethering factor; minus strand). Cytogenetic location: 18q21.1.
Variant type: single nucleotide variant.
Coding change: c.2420A>C on transcript NM_020964.3 (MANE Select); coding-DNA position 2420, A replaced by C.
Protein change: p.Tyr807Ser; replaces tyrosine 807 with serine.
Molecular consequence: missense variant.
Genome position (GRCh38, 1-based): chr18:45,929,002, T>G on the plus strand (A>C on the coding strand, the complement: EPG5 is on the minus strand). VCF-style: chr18-45929002-T-G. GRCh37 (hg19) VCF-style: chr18-43508968-T-G.
Other names: c.2420A>C, p.Tyr807Ser (LRG_1234t1); short protein forms Y807S.
Identifiers: ClinVar variation 644401 (VCV000644401.9), dbSNP rs1436830345, ClinGen allele CA402346823.

ClinVar aggregate classification (germline): Uncertain significance (1 of 4 stars; one submission).

Conditions:
Vici syndrome (VICIS). Identifiers: Orphanet 1493, MedGen C1855772, MONDO:0009452, OMIM 242840.

Allele frequency attached by ClinVar (database versions not stated): TOPMed below 0.00001; gnomAD 0.00001.
gnomAD v4.1: 3 of 1,613,596 alleles (0.00019%); highest among the groups gnomAD compares: Non-Finnish European, 0.00025%; no homozygotes.

Submission:

Labcorp Genetics (formerly Invitae), Labcorp
Classification: Uncertain significance for Vici syndrome. Last evaluated: 2022-07-12. Review status: criteria provided, single submitter. Criteria: Invitae Variant Classification Sherloc (09022015). Collection method: clinical testing. Allele origin: germline.
Comment: In summary, the available evidence is currently insufficient to determine the role of this variant in disease. Therefore, it has been classified as a Variant of Uncertain Significance. Algorithms developed to predict the effect of missense changes on protein structure and function are either unavailable or do not agree on the potential impact of this missense change (SIFT: "Deleterious"; PolyPhen-2: "Probably Damaging"; Align-GVGD: "Class C0"). ClinVar contains an entry for this variant (Variation ID: 644401). This variant has not been reported in the literature in individuals affected with EPG5-related conditions. This variant is not present in population databases (gnomAD no frequency). This sequence change replaces tyrosine, which is neutral and polar, with serine, which is neutral and polar, at codon 807 of the EPG5 protein (p.Tyr807Ser).